The following is an entry in ClinVar:

ClinVar aggregate classification (germline): Uncertain significance (1 of 4 stars; one submission).

Conditions:
Cornelia de Lange syndrome 3 (CDLS3). Also called: SMC3-Related Cornelia de Lange Syndrome; CORNELIA DE LANGE SYNDROME 3 WITH OR WITHOUT MIDLINE BRAIN DEFECTS. Identifiers: Orphanet 199, MedGen C1853099, MONDO:0012555, OMIM 610759.

Allele frequency attached by ClinVar (database versions not stated): TOPMed below 0.00001.

Submission:

Labcorp Genetics (formerly Invitae), Labcorp
Classification: Uncertain significance for Cornelia de Lange syndrome 3. Last evaluated: 2023-11-13. Review status: criteria provided, single submitter. Criteria: Invitae Variant Classification Sherloc (09022015). Collection method: clinical testing. Allele origin: germline.
Comment: This sequence change falls in intron 9 of the SMC3 gene. It does not directly change the encoded amino acid sequence of the SMC3 protein. It affects a nucleotide within the consensus splice site. This variant is not present in population databases (gnomAD no frequency). This variant has not been reported in the literature in individuals affected with SMC3-related conditions. Variants that disrupt the consensus splice site are a relatively common cause of aberrant splicing (PMID: 17576681, 9536098). Algorithms developed to predict the effect of sequence changes on RNA splicing suggest that this variant is not likely to affect RNA splicing. In summary, the available evidence is currently insufficient to determine the role of this variant in disease. Therefore, it has been classified as a Variant of Uncertain Significance.

Literature cited by the submitters: PubMed 17576681; PubMed 9536098.

NM_005445.4(SMC3):c.723+6A>G

Gene: SMC3 (structural maintenance of chromosomes 3; plus strand). Cytogenetic location: 10q25.2.
Variant type: single nucleotide variant.
Coding change: c.723+6A>G on transcript NM_005445.4 (MANE Select); 6 bases into the intron after coding-DNA position 723, A replaced by G.
Molecular consequence: intron variant.
Genome position (GRCh38, 1-based): chr10:110,582,104, A>G. VCF-style: chr10-110582104-A-G. GRCh37 (hg19) VCF-style: chr10-112341862-A-G.
Identifiers: ClinVar variation 2695487 (VCV002695487.3), dbSNP rs1360771140, ClinGen allele CA659785186.
Genomic context (GRCh38, chr10:110,582,104, plus strand): 5'-GGAATATACCATTTACAATCAGGAACTTAACGAGACTCGTGCCAAACTTGATGAGGTAAA[A>G]TATTTACCTGTGACACTTAAAATCAGATTAATTTTGTTTTTATGAATTTGTTAAACTCAG-3'